The following is an entry in ClinVar:

NM_000081.4(LYST):c.6979A>G (p.Met2327Val)

Gene: LYST (lysosomal trafficking regulator; minus strand). Cytogenetic location: 1q42.3.
Variant type: single nucleotide variant.
Coding change: c.6979A>G on transcript NM_000081.4 (MANE Select); coding-DNA position 6979, A replaced by G.
Protein change: p.Met2327Val; replaces methionine 2327 with valine.
Molecular consequence: missense variant.
Genome position (GRCh38, 1-based): chr1:235,757,361, T>C on the plus strand (A>G on the coding strand, the complement: LYST is on the minus strand). VCF-style: chr1-235757361-T-C. GRCh37 (hg19) VCF-style: chr1-235920661-T-C.
Other names: c.6979A>G, p.Met2327Val (NM_001301365.1); short protein forms M2327V.
Identifiers: ClinVar variation 1958317 (VCV001958317.3), dbSNP rs1667138456, ClinGen allele CA344936449.

ClinVar aggregate classification (germline): Uncertain significance (1 of 4 stars; one submission).

Conditions:
Chédiak-Higashi syndrome (CHS). Also called: Chediak-Higashi Syndrome. Identifiers: Orphanet 167, MedGen C0007965, MONDO:0008963, OMIM 214500.

Allele frequency attached by ClinVar (database versions not stated): gnomAD exomes below 0.00001; TOPMed below 0.00001.
gnomAD v4.1: 1 of 1,613,412 alleles (0.000062%); highest among the groups gnomAD compares: Admixed American, 0.0017%; no homozygotes.

Submission:

Labcorp Genetics (formerly Invitae), Labcorp
Classification: Uncertain significance for Chédiak-Higashi syndrome. Last evaluated: 2022-06-15. Review status: criteria provided, single submitter. Criteria: Invitae Variant Classification Sherloc (09022015). Collection method: clinical testing. Allele origin: germline.
Comment: In summary, the available evidence is currently insufficient to determine the role of this variant in disease. Therefore, it has been classified as a Variant of Uncertain Significance. Algorithms developed to predict the effect of missense changes on protein structure and function (SIFT, PolyPhen-2, Align-GVGD) all suggest that this variant is likely to be tolerated. This variant has not been reported in the literature in individuals affected with LYST-related conditions. This variant is not present in population databases (gnomAD no frequency). This sequence change replaces methionine, which is neutral and non-polar, with valine, which is neutral and non-polar, at codon 2327 of the LYST protein (p.Met2327Val).